The following is an entry in ClinVar:

ClinVar aggregate classification (germline): Uncertain significance. Review status: criteria provided, multiple submitters, no conflicts (2 of 4 stars). 2 submissions from 2 submitters: Uncertain significance (2). Last evaluated 2021-07-23.

Conditions:
Hereditary cancer-predisposing syndrome. Also called: Tumor predisposition; Hereditary Cancer Syndrome; Hereditary neoplastic syndrome; Neoplastic Syndromes, Hereditary. Identifiers: Orphanet 140162, MedGen C0027672, MeSH D009386, MONDO:0015356.

Submissions (2):

Ambry Genetics
Classification: Uncertain significance for Hereditary cancer-predisposing syndrome. Last evaluated: 2021-07-23. Review status: criteria provided, single submitter. Criteria: Ambry Variant Classification Scheme 2023. Collection method: clinical testing. Allele origin: germline.
Comment: The p.T2067P variant (also known as c.6199A>C), located in coding exon 45 of the POLE gene, results from an A to C substitution at nucleotide position 6199. The threonine at codon 2067 is replaced by proline, an amino acid with highly similar properties. This amino acid position is conserved. In addition, the in silico prediction for this alteration is inconclusive. Since supporting evidence is limited at this time, the clinical significance of this alteration remains unclear.

Labcorp Genetics (formerly Invitae), Labcorp
Classification: Uncertain significance. Last evaluated: 2021-05-03. Review status: criteria provided, single submitter. Criteria: Invitae Variant Classification Sherloc (09022015). Collection method: clinical testing. Allele origin: germline.
Comment: In summary, the available evidence is currently insufficient to determine the role of this variant in disease. Therefore, it has been classified as a Variant of Uncertain Significance. Algorithms developed to predict the effect of missense changes on protein structure and function are either unavailable or do not agree on the potential impact of this missense change (SIFT: "Deleterious"; PolyPhen-2: "Possibly Damaging"; Align-GVGD: "Class C0"). This variant has not been reported in the literature in individuals with POLE-related conditions. This variant is not present in population databases (ExAC no frequency). This sequence change replaces threonine with proline at codon 2067 of the POLE protein (p.Thr2067Pro). The threonine residue is moderately conserved and there is a small physicochemical difference between threonine and proline.

NM_006231.4(POLE):c.6199A>C (p.Thr2067Pro)

Gene: POLE (DNA polymerase epsilon, catalytic subunit; minus strand). Cytogenetic location: 12q24.33.
Variant type: single nucleotide variant.
Coding change: c.6199A>C on transcript NM_006231.4 (MANE Select); coding-DNA position 6199, A replaced by C.
Protein change: p.Thr2067Pro; replaces threonine 2067 with proline.
Molecular consequence: missense variant.
Genome position (GRCh38, 1-based): chr12:132,632,446, T>G on the plus strand (A>C on the coding strand, the complement: POLE is on the minus strand). VCF-style: chr12-132632446-T-G. GRCh37 (hg19) VCF-style: chr12-133209032-T-G.
Other names: short protein forms T2067P.
Identifiers: ClinVar variation 1478156 (VCV001478156.10), dbSNP rs2138460893, ClinGen allele CA387369764.